The following is an entry in ClinVar:

ClinVar aggregate classification (germline): Uncertain significance (1 of 4 stars; one submission).

Conditions:
Hyperaldosteronism, familial, type IV (HALD4). Also called: FH IV; ALDOSTERONISM, PRIMARY, AND HYPERTENSION. Identifiers: Orphanet 642671, MedGen C4310756, MONDO:0014875, OMIM 617027.
Idiopathic generalized epilepsy. Also called: EIG; Generalised epilepsy. Identifiers: MedGen C0270850, MONDO:0005579, OMIM 600669.

Allele frequency attached by ClinVar (database versions not stated): ESP Exome Variant Server 0.00008.
gnomAD v4.1: 4 of 1,611,432 alleles (0.00025%); highest among the groups gnomAD compares: Non-Finnish European, 0.00034%; no homozygotes.

Submission:

Labcorp Genetics (formerly Invitae), Labcorp
Classification: Uncertain significance for Idiopathic generalized epilepsy; Hyperaldosteronism, familial, type IV. Last evaluated: 2022-08-28. Review status: criteria provided, single submitter. Criteria: Invitae Variant Classification Sherloc (09022015). Collection method: clinical testing. Allele origin: germline.
Comment: In summary, the available evidence is currently insufficient to determine the role of this variant in disease. Therefore, it has been classified as a Variant of Uncertain Significance. Algorithms developed to predict the effect of sequence changes on RNA splicing suggest that this variant may create or strengthen a splice site. Advanced modeling of protein sequence and biophysical properties (such as structural, functional, and spatial information, amino acid conservation, physicochemical variation, residue mobility, and thermodynamic stability) performed at Invitae indicates that this missense variant is not expected to disrupt CACNA1H protein function. This variant has not been reported in the literature in individuals affected with CACNA1H-related conditions. This variant is not present in population databases (gnomAD no frequency). This sequence change replaces histidine, which is basic and polar, with glutamine, which is neutral and polar, at codon 104 of the CACNA1H protein (p.His104Gln).

NM_021098.3(CACNA1H):c.312C>G (p.His104Gln)

Gene: CACNA1H (calcium voltage-gated channel subunit alpha1 H; plus strand). Cytogenetic location: 16p13.3.
Variant type: single nucleotide variant.
Coding change: c.312C>G on transcript NM_021098.3 (MANE Select); coding-DNA position 312, C replaced by G.
Protein change: p.His104Gln; replaces histidine 104 with glutamine.
Molecular consequence: missense variant.
Genome position (GRCh38, 1-based): chr16:1,194,984, C>G. VCF-style: chr16-1194984-C-G. GRCh37 (hg19) VCF-style: chr16-1244984-C-G.
Other names: c.312C>G, p.His104Gln (NM_001005407.2); short protein forms H104Q.
Identifiers: ClinVar variation 2156868 (VCV002156868.4), dbSNP rs370735613, ClinGen allele CA276635717.